The following is an entry in ClinVar:

NM_206933.4(USH2A):c.13699C>G (p.Leu4567Val)

Gene: USH2A (usherin; minus strand). Cytogenetic location: 1q41.
Variant type: single nucleotide variant.
Coding change: c.13699C>G on transcript NM_206933.4 (MANE Select); coding-DNA position 13699, C replaced by G.
Protein change: p.Leu4567Val; replaces leucine 4567 with valine.
Molecular consequence: missense variant.
Genome position (GRCh38, 1-based): chr1:215,674,212, G>C on the plus strand (C>G on the coding strand, the complement: USH2A is on the minus strand). VCF-style: chr1-215674212-G-C. GRCh37 (hg19) VCF-style: chr1-215847554-G-C.
Other names: short protein forms L4567V.
Identifiers: ClinVar variation 2962311 (VCV002962311.3), dbSNP rs1473331867, ClinGen allele CA344843816.

ClinVar aggregate classification (germline): Uncertain significance (1 of 4 stars; one submission).

gnomAD v4.1: 4 of 1,614,152 alleles (0.00025%); highest among the groups gnomAD compares: Admixed American, 0.0017%; no homozygotes.

Submission:

Labcorp Genetics (formerly Invitae), Labcorp
Classification: Uncertain significance. Last evaluated: 2025-03-07. Review status: criteria provided, single submitter. Criteria: Invitae Variant Classification Sherloc (09022015). Collection method: clinical testing. Allele origin: germline.
Comment: This sequence change replaces leucine, which is neutral and non-polar, with valine, which is neutral and non-polar, at codon 4567 of the USH2A protein (p.Leu4567Val). This variant is present in population databases (no rsID available, gnomAD 0.003%). This variant has not been reported in the literature in individuals affected with USH2A-related conditions. ClinVar contains an entry for this variant (Variation ID: 2962311). Invitae Evidence Modeling of protein sequence and biophysical properties (such as structural, functional, and spatial information, amino acid conservation, physicochemical variation, residue mobility, and thermodynamic stability) indicates that this missense variant is not expected to disrupt USH2A protein function with a negative predictive value of 95%. In summary, the available evidence is currently insufficient to determine the role of this variant in disease. Therefore, it has been classified as a Variant of Uncertain Significance.